The following is an entry in ClinVar:

NM_002472.3(MYH8):c.5208C>T (p.Asp1736=)

Genes: MYHAS (myosin heavy chain gene cluster antisense RNA; plus strand), MYH8 (myosin heavy chain 8; minus strand). Cytogenetic location: 17p13.1.
Variant type: single nucleotide variant.
Coding change: c.5208C>T on transcript NM_002472.3 (MANE Select); coding-DNA position 5208, C replaced by T.
Protein change: p.Asp1736=; no amino-acid change (aspartic acid 1736 retained).
Molecular consequence: synonymous variant.
Genome position (GRCh38, 1-based): chr17:10,393,169, G>A on the plus strand (C>T on the coding strand, the complement: MYH8 is on the minus strand). VCF-style: chr17-10393169-G-A. GRCh37 (hg19) VCF-style: chr17-10296486-G-A.
Identifiers: ClinVar variation 129679 (VCV000129679.18), dbSNP rs33969260, ClinGen allele CA153832.

ClinVar aggregate classification (germline): Benign. Review status: criteria provided, multiple submitters, no conflicts (2 of 4 stars). 8 submissions from 8 submitters: Benign (6). 2 of the submissions do not count toward it. Last evaluated 2021-09-05.

Conditions:
Hecht syndrome (DA7). Also called: MOUTH, INABILITY TO OPEN COMPLETELY, AND SHORT FINGER-FLEXOR TENDONS; Dutch-Kentucky syndrome. Identifiers: Orphanet 3377, MedGen C0265226, MONDO:0008016, OMIM 158300. Disease mechanism: gain of function.

Allele frequency attached by ClinVar (database versions not stated): 1000 Genomes Project 0.09545; 1000 Genomes Project 30x 0.09650; TOPMed 0.16336; gnomAD exomes 0.17467 and 0.22121; ExAC 0.17612; ESP Exome Variant Server 0.17976.
gnomAD v4.1: 347,876 of 1,613,884 alleles (22%); highest among the groups gnomAD compares: Non-Finnish European, 25%; 41,996 homozygotes.

Submissions (8):

Genome-Nilou Lab
Classification: Benign for Hecht syndrome. Last evaluated: 2021-09-05. Review status: criteria provided, single submitter. Criteria: ACMG Guidelines, 2015. Collection method: clinical testing. Allele origin: germline. Affected: no.

GeneDx
Classification: Benign. Last evaluated: 2018-11-12. Review status: criteria provided, single submitter. Criteria: GeneDx Variant Classification Process June 2021. Collection method: clinical testing. Allele origin: germline. Affected: yes.

Illumina Laboratory Services, Illumina
Classification: Benign for Hecht syndrome. Last evaluated: 2018-01-13. Review status: criteria provided, single submitter. Criteria: ICSL Variant Classification Criteria 13 December 2019. Collection method: clinical testing. Allele origin: germline.
Comment: This variant was observed in the ICSL laboratory as part of a predisposition screen in an ostensibly healthy population. It had not been previously curated by ICSL or reported in the Human Gene Mutation Database (HGMD: prior to June 1st, 2018), and was therefore a candidate for classification through an automated scoring system. Utilizing variant allele frequency, disease prevalence and penetrance estimates, and inheritance mode, an automated score was calculated to assess if this variant is too frequent to cause the disease. Based on the score and internal cut-off values, a variant classified as benign is not then subjected to further curation. The score for this variant resulted in a classification of benign for this disease.

Genetic Services Laboratory, University of Chicago
Classification: Benign for AllHighlyPenetrant. Last evaluated: 2013-08-15. Review status: criteria provided, single submitter. Criteria: ACMG Guidelines, 2007. Collection method: clinical testing. Allele origin: germline. Inheritance: Autosomal dominant inheritance.

Breakthrough Genomics
Classification: Benign. Review status: criteria provided, single submitter. Criteria: ACMG Guidelines, 2015. Collection method: not provided. Allele origin: germline. Inheritance: Autosomal dominant inheritance. Affected: yes.

PreventionGenetics, part of Exact Sciences
Classification: Benign. Review status: criteria provided, single submitter. Criteria: ACMG Guidelines, 2015. Collection method: clinical testing. Allele origin: germline.

Clinical Genetics, Academic Medical Center
Classification: Benign. Review status: no assertion criteria provided. Collection method: clinical testing. Allele origin: germline. Affected: yes. Study: VKGL Data-share Consensus. Not counted in ClinVar's aggregate classification.

Diagnostic Laboratory, Department of Genetics, University Medical Center Groningen
Classification: Benign. Review status: no assertion criteria provided. Collection method: clinical testing. Allele origin: germline. Affected: yes. Study: VKGL Data-share Consensus. Not counted in ClinVar's aggregate classification.